The following is an entry in ClinVar:

ClinVar aggregate classification (germline): Likely pathogenic (1 of 4 stars; one submission).

Submission:

Quest Diagnostics Nichols Institute San Juan Capistrano
Classification: Likely pathogenic. Last evaluated: 2025-08-28. Review status: criteria provided, single submitter. Criteria: Quest Diagnostics criteria. Collection method: clinical testing. Allele origin: unknown.
Comment: The NF1 c.7581_7582del (p.Ser2528Argfs*6) variant alters the translational reading frame of the NF1 mRNA and is predicted to cause the premature termination of NF1 protein synthesis. This variant has not been reported in individuals with NF1-related conditions in the published literature. This variant has not been reported in large, multi-ethnic general populations (Genome Aggregation Database). Based on the available information, this variant is classified as likely pathogenic.

NM_001042492.3(NF1):c.7644_7645del (p.Ser2549fs)

Gene: NF1 (neurofibromin 1; plus strand). Cytogenetic location: 17q11.2.
Variant type: Microsatellite.
Coding change: c.7644_7645del on transcript NM_001042492.3 (MANE Select); coding-DNA positions 7644 to 7645, 2 bases deleted (AT; older notation c.7644_7645delAT).
Protein change: p.Ser2549fs; shifts the reading frame from serine 2549.
Molecular consequence: frameshift variant.
Genome position (GRCh38, 1-based): chr17:31,356,488-31,356,489, AT deleted; deleting any 2 consecutive bases within chr17:31,356,486-31,356,489 gives the same sequence; the c. name uses the placement nearest the transcript's 3' end. VCF-style (leftmost placement, unchanged base first): chr17-31356485-GAT-G. GRCh37 (hg19) VCF-style: chr17-29683503-GAT-G.
Other names: c.7581_7582del (NM_000267.3); c.7579_7580AT[1], p.Ser2528Argfs (NM_000267.3); c.7581_7582del, p.Ser2528fs (NM_000267.4); short protein forms S2528fs, S2549fs.
Identifiers: ClinVar variation 4532921 (VCV004532921.1).
Genomic context (GRCh38, chr17:31,356,485, plus strand): 5'-TAATGAACTTGCATATTCTTAACTTTTGTTTATAGGAACAAGGAAAAGTTTTGATCACTT[GAT>G]ATCAGACACAAAGGCTCCTAAAAGGCAAGAAATGGAATCAGGGATCACAACACCCCCCAA-3'